The following is an entry in ClinVar:

NM_004186.5(SEMA3F):c.139T>C (p.Phe47Leu)

Gene: SEMA3F (semaphorin 3F; plus strand). Cytogenetic location: 3p21.31.
Variant type: single nucleotide variant.
Coding change: c.139T>C on transcript NM_004186.5 (MANE Select); coding-DNA position 139, T replaced by C.
Protein change: p.Phe47Leu; replaces phenylalanine 47 with leucine.
Molecular consequence: missense variant. On other transcripts: 5 prime UTR variant (1).
Genome position (GRCh38, 1-based): chr3:50,173,819, T>C. VCF-style: chr3-50173819-T-C. GRCh37 (hg19) VCF-style: chr3-50211252-T-C.
Other names: c.-66T>C (NM_001318798.2); c.139T>C, p.Phe47Leu (NM_001318800.2); short protein forms F47L.
Identifiers: ClinVar variation 3356757 (VCV003356757.2).

ClinVar aggregate classification (germline): Uncertain significance (1 of 4 stars; one submission).

Conditions:
SEMA3F-related disorder. Also called: SEMA3F-related condition.

gnomAD v4.1: 14 of 1,613,966 alleles (0.00087%); highest among the groups gnomAD compares: South Asian, 0.0099%; no homozygotes.

Submission:

PreventionGenetics, part of Exact Sciences
Classification: Uncertain significance for SEMA3F-related condition. Last evaluated: 2025-07-30. Review status: criteria provided, single submitter. Criteria: ACMG Guidelines, 2015. Collection method: clinical testing. Allele origin: germline.
Comment: The SEMA3F c.139T>C variant is predicted to result in the amino acid substitution p.Phe47Leu. To our knowledge, this variant has not been reported in the literature. This variant is reported in 0.018% of alleles in individuals of African descent in gnomAD. At this time, the clinical significance of this variant is uncertain due to the absence of conclusive functional and genetic evidence.